The following is an entry in ClinVar:

NM_001382391.1(CSPP1):c.3328A>T (p.Ile1110Phe)

Genes: ARFGEF1 (ARF guanine nucleotide exchange factor 1; minus strand), CSPP1 (centrosome and spindle pole associated protein 1; plus strand). Cytogenetic location: 8q13.2.
Variant type: single nucleotide variant.
Coding change: c.3328A>T on transcript NM_001382391.1 (MANE Select); coding-DNA position 3328, A replaced by T.
Protein change: p.Ile1110Phe; replaces isoleucine 1110 with phenylalanine.
Molecular consequence: missense variant. On other transcripts: intron variant (2).
Genome position (GRCh38, 1-based): chr8:67,190,757, A>T. VCF-style: chr8-67190757-A-T. GRCh37 (hg19) VCF-style: chr8-68102992-A-T.
Other names: c.2278A>T, p.Ile760Phe (NM_001291339.2); c.3247A>T, p.Ile1083Phe (NM_001363131.2); c.3133A>T, p.Ile1045Phe (NM_001363132.2); c.3052A>T, p.Ile1018Phe (NM_001363133.2); c.3394A>T, p.Ile1132Phe (NM_001364869.1); c.3214A>T, p.Ile1072Phe (NM_001364870.1); c.3160A>T, p.Ile1054Phe (NM_001438330.1); c.3313A>T, p.Ile1105Phe (NM_001438331.1, NM_024790.7); and 3 more; short protein forms I1018F, I1105F, I760F, I1072F, I1083F, I1045F, I1110F, I1132F.
Identifiers: ClinVar variation 1496381 (VCV001496381.7), dbSNP rs754193806, ClinGen allele CA4771128.

ClinVar aggregate classification (germline): Uncertain significance (1 of 4 stars; one submission).

Conditions:
Joubert syndrome 21 (JBTS21). Identifiers: MedGen C3810212, MONDO:0014288, OMIM 615636.

Allele frequency attached by ClinVar (database versions not stated): ExAC 0.00001.
gnomAD v4.1: 2 of 1,599,062 alleles (0.00013%); highest among the groups gnomAD compares: Non-Finnish European, 0.00017%; no homozygotes.

Submission:

Labcorp Genetics (formerly Invitae), Labcorp
Classification: Uncertain significance for Joubert syndrome 21. Last evaluated: 2022-02-23. Review status: criteria provided, single submitter. Criteria: Invitae Variant Classification Sherloc (09022015). Collection method: clinical testing. Allele origin: germline.
Comment: This variant has not been reported in the literature in individuals affected with CSPP1-related conditions. In summary, the available evidence is currently insufficient to determine the role of this variant in disease. Therefore, it has been classified as a Variant of Uncertain Significance. Algorithms developed to predict the effect of missense changes on protein structure and function output the following: SIFT: "Tolerated"; PolyPhen-2: "Benign"; Align-GVGD: "Class C0". The phenylalanine amino acid residue is found in multiple mammalian species, which suggests that this missense change does not adversely affect protein function. This variant is present in population databases (rs754193806, gnomAD 0.002%). This sequence change replaces isoleucine, which is neutral and non-polar, with phenylalanine, which is neutral and non-polar, at codon 1105 of the CSPP1 protein (p.Ile1105Phe).